The following is an entry in ClinVar:

NM_032043.3(BRIP1):c.94-3T>C

Gene: BRIP1 (BRCA1 interacting DNA helicase 1; minus strand). Cytogenetic location: 17q23.2.
Variant type: single nucleotide variant.
Coding change: c.94-3T>C on transcript NM_032043.3 (MANE Select); 3 bases into the intron before coding-DNA position 94, T replaced by C.
Molecular consequence: intron variant.
Genome position (GRCh38, 1-based): chr17:61,859,910, A>G on the plus strand (T>C on the coding strand, the complement: BRIP1 is on the minus strand). VCF-style: chr17-61859910-A-G. GRCh37 (hg19) VCF-style: chr17-59937271-A-G.
Identifiers: ClinVar variation 4216274 (VCV004216274.1).

ClinVar aggregate classification (germline): Uncertain significance (1 of 4 stars; one submission).

Conditions:
Hereditary cancer-predisposing syndrome. Also called: Hereditary Cancer Syndrome; Hereditary neoplastic syndrome; Neoplastic Syndromes, Hereditary; Tumor predisposition. Identifiers: Orphanet 140162, MedGen C0027672, MeSH D009386, MONDO:0015356.

Submission:

Ambry Genetics
Classification: Uncertain significance for Hereditary cancer-predisposing syndrome. Last evaluated: 2025-08-21. Review status: criteria provided, single submitter. Criteria: Ambry Variant Classification Scheme 2023. Collection method: clinical testing. Allele origin: germline.
Comment: The c.94-3T>C intronic variant results from a T to C substitution 3 nucleotides upstream from coding exon 2 in the BRIP1 gene. This nucleotide position is not well conserved in available vertebrate species. In silico splice site analysis predicts that this alteration will not have any significant effect on splicing. Based on the available evidence, the clinical significance of this variant remains unclear.